The following is an entry in ClinVar:

NM_014847.4(UBAP2L):c.2485A>G (p.Arg829Gly)

Gene: UBAP2L (ubiquitin associated protein 2 like; plus strand). Cytogenetic location: 1q21.3.
Variant type: single nucleotide variant.
Coding change: c.2485A>G on transcript NM_014847.4 (MANE Select); coding-DNA position 2485, A replaced by G.
Protein change: p.Arg829Gly; replaces arginine 829 with glycine.
Molecular consequence: missense variant.
Genome position (GRCh38, 1-based): chr1:154,259,019, A>G. VCF-style: chr1-154259019-A-G. GRCh37 (hg19) VCF-style: chr1-154231495-A-G.
Other names: c.2485A>G, p.Arg829Gly (NM_001127320.3, NM_001375614.1, NM_001375615.1 and 14 more transcripts); c.2464A>G, p.Arg822Gly (NM_001287815.1); c.2518A>G, p.Arg840Gly (NM_001287816.1, NM_001330730.1, NM_001375612.1 and 2 more transcripts); short protein forms R822G, R829G, R840G.
Identifiers: ClinVar variation 3363576 (VCV003363576.1).

ClinVar aggregate classification (germline): Uncertain significance (1 of 4 stars; one submission).

Submission:

GeneDx
Classification: Uncertain significance. Last evaluated: 2023-10-28. Review status: criteria provided, single submitter. Criteria: GeneDx Variant Classification Process June 2021. Collection method: clinical testing. Allele origin: germline. Affected: yes.
Comment: Not observed at significant frequency in large population cohorts (gnomAD); In silico analysis supports that this missense variant has a deleterious effect on protein structure/function; Has not been previously published as pathogenic or benign to our knowledge